The following is an entry in ClinVar:

ClinVar aggregate classification (germline): Uncertain significance. Review status: criteria provided, multiple submitters, no conflicts (2 of 4 stars). 2 submissions from 2 submitters: Uncertain significance (2). Last evaluated 2025-11-16.

Conditions:
Cardiovascular phenotype. Identifiers: MedGen CN230736.
Dilated cardiomyopathy 1W (CMD1W). Identifiers: Orphanet 154, MedGen C1969639, MONDO:0012667, OMIM 611407.

Submissions (2):

Ambry Genetics
Classification: Uncertain significance for Cardiovascular phenotype. Last evaluated: 2025-11-16. Review status: criteria provided, single submitter. Criteria: Ambry Variant Classification Scheme 2023. Collection method: clinical testing. Allele origin: germline.
Comment: The p.A559S variant (also known as c.1675G>T), located in coding exon 12 of the VCL gene, results from a G to T substitution at nucleotide position 1675. The alanine at codon 559 is replaced by serine, an amino acid with similar properties. This amino acid position is conserved. In addition, this alteration is predicted to be tolerated by in silico analysis. Based on the available evidence, the clinical significance of this variant remains unclear.

Labcorp Genetics (formerly Invitae), Labcorp
Classification: Uncertain significance for Dilated cardiomyopathy 1W. Last evaluated: 2022-05-07. Review status: criteria provided, single submitter. Criteria: Invitae Variant Classification Sherloc (09022015). Collection method: clinical testing. Allele origin: germline.
Comment: This sequence change replaces alanine, which is neutral and non-polar, with serine, which is neutral and polar, at codon 559 of the VCL protein (p.Ala559Ser). This variant is not present in population databases (gnomAD no frequency). In summary, the available evidence is currently insufficient to determine the role of this variant in disease. Therefore, it has been classified as a Variant of Uncertain Significance. Algorithms developed to predict the effect of missense changes on protein structure and function are either unavailable or do not agree on the potential impact of this missense change (SIFT: "Not Available"; PolyPhen-2: "Probably Damaging"; Align-GVGD: "Not Available"). This variant has not been reported in the literature in individuals affected with VCL-related conditions.

NM_014000.3(VCL):c.1675G>T (p.Ala559Ser)

Gene: VCL (vinculin; plus strand). Cytogenetic location: 10q22.2.
Variant type: single nucleotide variant.
Coding change: c.1675G>T on transcript NM_014000.3 (MANE Select); coding-DNA position 1675, G replaced by T.
Protein change: p.Ala559Ser; replaces alanine 559 with serine.
Molecular consequence: missense variant.
Genome position (GRCh38, 1-based): chr10:74,095,787, G>T. VCF-style: chr10-74095787-G-T. GRCh37 (hg19) VCF-style: chr10-75855545-G-T.
Other names: c.1675G>T, p.Ala559Ser (NM_003373.4); short protein forms A559S.
Identifiers: ClinVar variation 2134933 (VCV002134933.5), dbSNP rs2549226475, ClinGen allele CA377275008.